The following is an entry in ClinVar:

ClinVar aggregate classification (germline): Uncertain significance (1 of 4 stars; one submission).

gnomAD v4.1: 8 of 1,614,122 alleles (0.0005%); highest among the groups gnomAD compares: Non-Finnish European, 0.00068%; no homozygotes.

Submission:

Labcorp Genetics (formerly Invitae), Labcorp
Classification: Uncertain significance. Last evaluated: 2025-07-21. Review status: criteria provided, single submitter. Criteria: Invitae Variant Classification Sherloc (09022015). Collection method: clinical testing. Allele origin: germline.
Comment: This sequence change replaces isoleucine, which is neutral and non-polar, with methionine, which is neutral and non-polar, at codon 163 of the SEC24D protein (p.Ile163Met). This variant is present in population databases (no rsID available, gnomAD 0.0009%). This variant has not been reported in the literature in individuals affected with SEC24D-related conditions. An algorithm developed to predict the effect of missense changes on protein structure and function (PolyPhen-2) suggests that this variant is likely to be tolerated. In summary, the available evidence is currently insufficient to determine the role of this variant in disease. Therefore, it has been classified as a Variant of Uncertain Significance.

NM_014822.4(SEC24D):c.489T>G (p.Ile163Met)

Gene: SEC24D (SEC24 homolog D, COPII component; minus strand). Cytogenetic location: 4q26.
Variant type: single nucleotide variant.
Coding change: c.489T>G on transcript NM_014822.4 (MANE Select); coding-DNA position 489, T replaced by G.
Protein change: p.Ile163Met; replaces isoleucine 163 with methionine.
Molecular consequence: missense variant.
Genome position (GRCh38, 1-based): chr4:118,815,635, A>C on the plus strand (T>G on the coding strand, the complement: SEC24D is on the minus strand). VCF-style: chr4-118815635-A-C. GRCh37 (hg19) VCF-style: chr4-119736790-A-C.
Other names: c.489T>G, p.Ile163Met (NM_001318066.2); short protein forms I163M.
Identifiers: ClinVar variation 4809669 (VCV004809669.1).
Genomic context (GRCh38, chr4:118,815,635, plus strand): 5'-GGCACCAGGACCATTGAGTGTGGTGGGTGGTGGTGGAAGAACTTGAGATCCAGGCTGCAA[A>C]ATGGAAGGCTGTGGAGGTCGTGGAGGAGTCTGCAATGATGTGGCTGACAGAGGGCCAGGG-3'
Protein context (NP_055637.2, residues 153-173): QTPPRPPQPS[Ile163Met]LQPGSQVLPP